The following is an entry in ClinVar:

ClinVar aggregate classification (germline): Uncertain significance (1 of 4 stars; one submission).

Submission:

Labcorp Genetics (formerly Invitae), Labcorp
Classification: Uncertain significance. Last evaluated: 2025-03-28. Review status: criteria provided, single submitter. Criteria: Invitae Variant Classification Sherloc (09022015). Collection method: clinical testing. Allele origin: germline.
Comment: This sequence change replaces glycine, which is neutral and non-polar, with serine, which is neutral and polar, at codon 474 of the SLC19A2 protein (p.Gly474Ser). This variant is not present in population databases (gnomAD no frequency). This variant has not been reported in the literature in individuals affected with SLC19A2-related conditions. Invitae Evidence Modeling of protein sequence and biophysical properties (such as structural, functional, and spatial information, amino acid conservation, physicochemical variation, residue mobility, and thermodynamic stability) has been performed for this missense variant. However, the output from this modeling did not meet the statistical confidence thresholds required to predict the impact of this variant on SLC19A2 protein function. Algorithms developed to predict the effect of sequence changes on RNA splicing suggest that this variant may disrupt the consensus splice site. In summary, the available evidence is currently insufficient to determine the role of this variant in disease. Therefore, it has been classified as a Variant of Uncertain Significance.

NM_006996.3(SLC19A2):c.1420G>A (p.Gly474Ser)

Gene: SLC19A2 (solute carrier family 19 member 2; minus strand). Cytogenetic location: 1q24.2.
Variant type: single nucleotide variant.
Coding change: c.1420G>A on transcript NM_006996.3 (MANE Select); coding-DNA position 1420, G replaced by A.
Protein change: p.Gly474Ser; replaces glycine 474 with serine.
Molecular consequence: missense variant.
Genome position (GRCh38, 1-based): chr1:169,465,923, C>T on the plus strand (G>A on the coding strand, the complement: SLC19A2 is on the minus strand). VCF-style: chr1-169465923-C-T. GRCh37 (hg19) VCF-style: chr1-169435161-C-T.
Other names: c.817G>A, p.Gly273Ser (NM_001319667.1); short protein forms G273S, G474S.
Identifiers: ClinVar variation 4747945 (VCV004747945.1).